The following is an entry in ClinVar:

ClinVar aggregate classification (germline): Uncertain significance (1 of 4 stars; one submission).

Submission:

Ambry Genetics
Classification: Uncertain significance. Last evaluated: 2023-03-08. Review status: criteria provided, single submitter. Criteria: Ambry Variant Classification Scheme 2023. Collection method: clinical testing. Allele origin: germline.
Comment: The p.S168C variant (also known as c.503C>G), located in coding exon 3 of the ALPK2 gene, results from a C to G substitution at nucleotide position 503. The serine at codon 168 is replaced by cysteine, an amino acid with dissimilar properties. This amino acid position is conserved. In addition, this alteration is predicted to be tolerated by in silico analysis. Since supporting evidence is limited at this time, the clinical significance of this alteration remains unclear.

NM_052947.4(ALPK2):c.503C>G (p.Ser168Cys)

Gene: ALPK2 (alpha kinase 2; minus strand). Cytogenetic location: 18q21.31.
Variant type: single nucleotide variant.
Coding change: c.503C>G on transcript NM_052947.4 (MANE Select); coding-DNA position 503, C replaced by G.
Protein change: p.Ser168Cys; replaces serine 168 with cysteine.
Molecular consequence: missense variant.
Genome position (GRCh38, 1-based): chr18:58,580,273, G>C on the plus strand (C>G on the coding strand, the complement: ALPK2 is on the minus strand). VCF-style: chr18-58580273-G-C. GRCh37 (hg19) VCF-style: chr18-56247505-G-C.
Other names: short protein forms S168C.
Identifiers: ClinVar variation 2449312 (VCV002449312.2), dbSNP rs2051950564, ClinGen allele CA402567832.